The following is an entry in ClinVar:

NM_000170.3(GLDC):c.2202+5G>A

Gene: GLDC (glycine decarboxylase; minus strand). Cytogenetic location: 9p24.1.
Variant type: single nucleotide variant.
Coding change: c.2202+5G>A on transcript NM_000170.3 (MANE Select); 5 bases into the intron after coding-DNA position 2202, G replaced by A.
Molecular consequence: intron variant.
Genome position (GRCh38, 1-based): chr9:6,556,148, C>T on the plus strand (G>A on the coding strand, the complement: GLDC is on the minus strand). VCF-style: chr9-6556148-C-T. GRCh37 (hg19) VCF-style: chr9-6556148-C-T.
Identifiers: ClinVar variation 3377622 (VCV003377622.1).

ClinVar aggregate classification (germline): Uncertain significance (1 of 4 stars; one submission).

Conditions:
Glycine encephalopathy 1 (GCE1). Identifiers: MedGen CN376801, MONDO:0958179, OMIM 605899.

gnomAD v4.1: 1 of 1,610,422 alleles (0.000062%); no homozygotes.

Submission:

Neuberg Centre For Genomic Medicine, NCGM
Classification: Uncertain significance for Glycine encephalopathy 1. Last evaluated: 2023-06-22. Review status: criteria provided, single submitter. Criteria: ACMG Guidelines, 2015. Collection method: clinical testing. Allele origin: germline. Inheritance: Autosomal recessive inheritance. Affected: yes.
Comment: The splice region variant c.2202+5G>A in GLDC gene has not been reported previously as a pathogenic variant nor as a benign variant, to our knowledge. The observed variant has allele frequency of 0.0004% in gnomAD exomes database. This variant has not been submitted to the ClinVar database. SpliceAI predicts AI score of 0.8800 for this variant. For these reasons, this variant has been classified as Variant of Uncertain Significance (VUS).